The following is an entry in ClinVar:

ClinVar aggregate classification (germline): Conflicting classifications of pathogenicity. Review status: criteria provided, conflicting classifications (1 of 4 stars). 3 submissions from 3 submitters: Likely pathogenic (2); Uncertain significance (1). Last evaluated 2024-11-20.

Conditions:
Hereditary cancer-predisposing syndrome. Also called: Tumor predisposition; Neoplastic Syndromes, Hereditary; Hereditary Cancer Syndrome; Hereditary neoplastic syndrome. Identifiers: Orphanet 140162, MedGen C0027672, MeSH D009386, MONDO:0015356.
Basal cell nevus syndrome 1 (BCNS1). Also called: GORLIN-GOLTZ SYNDROME; MULTIPLE BASAL CELL NEVI, ODONTOGENIC KERATOCYSTS, AND SKELETAL ANOMALIES. Identifiers: MedGen CN376810, MONDO:0958174, OMIM 109400.
PTCH1-related disorder. Also called: PTCH1-related disorders; PTCH1-related condition.

Submissions (3):

Ambry Genetics
Classification: Uncertain significance for Hereditary cancer-predisposing syndrome. Last evaluated: 2024-11-20. Review status: criteria provided, single submitter. Criteria: Ambry Variant Classification Scheme 2023. Collection method: clinical testing. Allele origin: germline.
Comment: The c.2560+2T>C intronic variant results from a T to C substitution two nucleotides after coding exon 15 in the PTCH1 gene. This variant has been reported in at least one individual with features of PTCH1-related nevoid basal cell carcinoma syndrome (Klein RD et al. Genet Med, 2005;7:611-9). This nucleotide position is highly conserved in available vertebrate species. In silico splice site analysis predicts that this alteration will weaken the native splice donor site; however, direct evidence is insufficient at this time (Ambry internal data). Alterations that disrupt the canonical splice site are expected to cause aberrant splicing, resulting in an abnormal protein or a transcript that is subject to nonsense-mediated mRNA decay; however, +2T>C alterations are capable of generating wild-type transcripts in some genomic contexts and should be interpreted with caution (Lin JH et al. Hum Mutat. 2019 10;40:1856-1873). Based on the available evidence, the clinical significance of this alteration remains unclear.

Institute for Genomic Medicine (IGM) Clinical Laboratory, Nationwide Children's Hospital
Classification: Likely pathogenic for Basal cell nevus syndrome 1. Last evaluated: 2024-08-22. Review status: criteria provided, single submitter. Criteria: ACMG Guidelines, 2015. Collection method: clinical testing. Allele origin: germline.
Comment: This variant is predicted to result in loss of function through nonsense-mediated decay of the encoded transcript or premature truncation of the encoded protein in a gene in which loss of function is a known mechanism of disease (ACMG/AMP: PVS1; PMIDs:16301862, 29575684, 29753700). This variant is absent from or present at an exceedingly low frequency in gnomAD, a large-scale control population database (ACMG/AMP: PM2).

Blueprint Genetics
Classification: Likely pathogenic for PTCH1-related disorders. Last evaluated: 2018-12-13. Review status: criteria provided, single submitter. Criteria: ACMG Guidelines, 2015. Collection method: clinical testing. Allele origin: germline. Affected: yes. Observed: 1 variant allele.

Literature cited by the submitters: PubMed 16301862 (cited by Ambry Genetics and Institute for Genomic Medicine (IGM) Clinical Laboratory, Nationwide Children's Hospital); PubMed 29575684 (cited by Institute for Genomic Medicine (IGM) Clinical Laboratory, Nationwide Children's Hospital); PubMed 29753700 (cited by Institute for Genomic Medicine (IGM) Clinical Laboratory, Nationwide Children's Hospital).

NM_000264.5(PTCH1):c.2560+2T>C

Genes: PTCH1 (patched 1; minus strand), LOC100507346 (uncharacterized LOC100507346; plus strand). Cytogenetic location: 9q22.32.
Variant type: single nucleotide variant.
Coding change: c.2560+2T>C on transcript NM_000264.5 (MANE Select); the canonical splice donor site of the intron after coding-DNA position 2560, T replaced by C.
Molecular consequence: splice donor variant. On other transcripts: non-coding transcript variant (1).
Genome position (GRCh38, 1-based): chr9:95,467,114, A>G on the plus strand (T>C on the coding strand, the complement: PTCH1 is on the minus strand). VCF-style: chr9-95467114-A-G. GRCh37 (hg19) VCF-style: chr9-98229396-A-G.
Other names: c.2557+2T>C (NM_001083603.3); c.2362+2T>C (NM_001083602.3); c.2404+2T>C (NM_001354918.2); c.2107+2T>C (NM_001083605.3, NM_001083604.3, NM_001083606.3 and 1 more transcripts).
Identifiers: ClinVar variation 3427314 (VCV003427314.3).
Genomic context (GRCh38, chr9:95,467,114, plus strand): 5'-GAACCTGTTGAAGCTGAACACGCAAAAGACCGAAAGGACGAGAGCCTCCCACGCCGTCTT[A>G]CCCTGAAGCCAGTCTCTGAAGTAGTGCAGCCACATTTTGGGAAGCTGTTTGTTTTCTTCC-3'